The following is an entry in ClinVar:

NM_004750.5(CRLF1):c.531del (p.Trp177fs)

Gene: CRLF1 (cytokine receptor like factor 1; minus strand). Cytogenetic location: 19p13.11.
Variant type: Deletion.
Coding change: c.531del on transcript NM_004750.5 (MANE Select); coding-DNA position 531, one base deleted (G; older notation c.531delG).
Protein change: p.Trp177fs; shifts the reading frame from tryptophan 177.
Molecular consequence: frameshift variant.
Genome position (GRCh38, 1-based): chr19:18,598,598, C deleted on the plus strand (G on the coding strand, the reverse complement: CRLF1 is on the minus strand); the first of 2 consecutive C bases (chr19:18,598,598-18,598,599); deleting either gives the same sequence. VCF-style (leftmost placement, unchanged base first): chr19-18598597-AC-A. GRCh37 (hg19) VCF-style: chr19-18709407-AC-A.
Other names: short protein forms W177fs.
Identifiers: ClinVar variation 4854051 (VCV004854051.1).

ClinVar aggregate classification (germline): Likely pathogenic (1 of 4 stars; one submission).

Conditions:
Cold-induced sweating syndrome 1 (CISS1). Also called: Crisponi syndrome; CRLF1-Related Cold-Induced Sweating Syndrome including Crisponi Syndrome; MUSCLE CONTRACTIONS, TETANOFORM, WITH CHARACTERISTIC FACE, CAMPTODACTYLY, HYPERTHERMIA, AND SUDDEN DEATH; CRISPONI/COLD-INDUCED SWEATING SYNDROME 1. Identifiers: Orphanet 1545, Orphanet 157820, MedGen C1848947, MONDO:0010091, OMIM 272430.

Submission:

3billion
Classification: Likely pathogenic for Cold-induced sweating syndrome 1. Last evaluated: 2025-12-01. Review status: criteria provided, single submitter. Criteria: ACMG Guidelines, 2015. Collection method: clinical testing. Allele origin: germline. Affected: yes.
Comment: The variant is not observed in the gnomAD v4.1.0 dataset. Predicted Consequence/Location: Frameshift: predicted to result in a loss or disruption of normal protein function through nonsense-mediated decay (NMD) or protein truncation. Multiple pathogenic variants are reported downstream of the variant. Therefore, this variant is classified as Likely pathogenic according to the recommendation of ACMG/AMP guideline.